The following is an entry in ClinVar:

NM_015346.4(ZFYVE26):c.360C>T (p.Leu120=)

Gene: ZFYVE26 (zinc finger FYVE-type containing 26; minus strand). Cytogenetic location: 14q24.1.
Variant type: single nucleotide variant.
Coding change: c.360C>T on transcript NM_015346.4 (MANE Select); coding-DNA position 360, C replaced by T.
Protein change: p.Leu120=; no amino-acid change (leucine 120 retained).
Molecular consequence: synonymous variant.
Genome position (GRCh38, 1-based): chr14:67,809,203, G>A on the plus strand (C>T on the coding strand, the complement: ZFYVE26 is on the minus strand). VCF-style: chr14-67809203-G-A. GRCh37 (hg19) VCF-style: chr14-68275920-G-A.
Identifiers: ClinVar variation 2138285 (VCV002138285.5), dbSNP rs1362968314, ClinGen allele CA486759356.

ClinVar aggregate classification (germline): Likely benign. Review status: criteria provided, multiple submitters, no conflicts (2 of 4 stars). 2 submissions from 2 submitters: Likely benign (2). Last evaluated 2026-07-01.

Conditions:
Spastic paraplegia. Identifiers: MedGen C0037772, HP:0001258.

Allele frequency attached by ClinVar (database versions not stated): TOPMed below 0.00001; gnomAD exomes 0.00001.
gnomAD v4.1: 7 of 1,613,738 alleles (0.00043%); highest among the groups gnomAD compares: Admixed American, 0.0017%; no homozygotes.

Submissions (2):

CeGaT Center for Human Genetics Tuebingen
Classification: Likely benign. Last evaluated: 2026-07-01. Review status: criteria provided, single submitter. Criteria: CeGaT Center For Human Genetics Tuebingen Variant Classification Criteria Version 2. Collection method: clinical testing. Allele origin: germline. Affected: yes. Observed: 1 variant allele.
Comment: ZFYVE26: BP4, BP7

Labcorp Genetics (formerly Invitae), Labcorp
Classification: Likely benign for Spastic paraplegia. Last evaluated: 2025-05-16. Review status: criteria provided, single submitter. Criteria: Invitae Variant Classification Sherloc (09022015). Collection method: clinical testing. Allele origin: germline.